The following is an entry in ClinVar:

ClinVar aggregate classification (germline): Uncertain significance. Review status: criteria provided, multiple submitters, no conflicts (2 of 4 stars). 3 submissions from 3 submitters: Uncertain significance (3). Last evaluated 2025-02-07.

Conditions:
Inborn genetic diseases. Identifiers: MedGen C0950123, MeSH D030342.

Allele frequency attached by ClinVar (database versions not stated): ExAC 0.00001; gnomAD exomes 0.00002; TOPMed 0.00004; gnomAD 0.00005 and 0.00006.
gnomAD v4.1: 12 of 1,607,680 alleles (0.00075%); highest among the groups gnomAD compares: African/African-American, 0.013%; no homozygotes.

Submissions (3):

Ambry Genetics
Classification: Uncertain significance for Inborn genetic diseases. Last evaluated: 2025-02-07. Review status: criteria provided, single submitter. Criteria: Ambry Variant Classification Scheme 2023. Collection method: clinical testing. Allele origin: germline.

GeneDx
Classification: Uncertain significance. Last evaluated: 2021-04-13. Review status: criteria provided, single submitter. Criteria: GeneDx Variant Classification Process June 2021. Collection method: clinical testing. Allele origin: germline. Affected: yes.
Comment: In silico analysis supports that this missense variant has a deleterious effect on protein structure/function; Has not been previously published as pathogenic or benign to our knowledge

Blueprint Genetics
Classification: Uncertain significance. Last evaluated: 2018-05-16. Review status: criteria provided, single submitter. Criteria: ACMG Guidelines, 2015. Collection method: clinical testing. Allele origin: germline.

NM_005876.5(SPEG):c.7031C>T (p.Pro2344Leu)

Genes: ASIC4-AS1 (ASIC4 antisense RNA 1; minus strand), SPEG (striated muscle enriched protein kinase; plus strand). Cytogenetic location: 2q35.
Variant type: single nucleotide variant.
Coding change: c.7031C>T on transcript NM_005876.5 (MANE Select); coding-DNA position 7031, C replaced by T.
Protein change: p.Pro2344Leu; replaces proline 2344 with leucine.
Molecular consequence: missense variant.
Genome position (GRCh38, 1-based): chr2:219,484,494, C>T. VCF-style: chr2-219484494-C-T. GRCh37 (hg19) VCF-style: chr2-220349216-C-T.
Other names: short protein forms P2344L.
Identifiers: ClinVar variation 1314337 (VCV001314337.4), dbSNP rs760096668, ClinGen allele CA2127167.
Genomic context (GRCh38, chr2:219,484,494, plus strand): 5'-TCGAAAACTTGGAGTCGGAGGCCGTGTTCGAGGCCAAGTTCAAGCGCAGCCGCGAGTCGC[C>T]CCTGTCGCTGGGGCTGCGGCTGCTGAGCCGTTCGCGCTCGGAGGAGCGCGGCCCCTTCCG-3'
Protein context (NP_005867.3, residues 2334-2354): EAKFKRSRES[Pro2344Leu]LSLGLRLLSR